The following is an entry in ClinVar:

NM_000245.4(MET):c.3343A>G (p.Ile1115Val)

Gene: MET (MET proto-oncogene, receptor tyrosine kinase; plus strand). Cytogenetic location: 7q31.2.
Variant type: single nucleotide variant.
Coding change: c.3343A>G on transcript NM_000245.4 (MANE Select); coding-DNA position 3343, A replaced by G.
Protein change: p.Ile1115Val; replaces isoleucine 1115 with valine.
Molecular consequence: missense variant.
Genome position (GRCh38, 1-based): chr7:116,778,778, A>G. VCF-style: chr7-116778778-A-G. GRCh37 (hg19) VCF-style: chr7-116418832-A-G.
Other names: c.3397A>G, p.Ile1133Val (NM_001127500.3); c.2053A>G, p.Ile685Val (NM_001324402.2); short protein forms I1115V, I1133V, I685V.
Identifiers: ClinVar variation 4860004 (VCV004860004.1).

ClinVar aggregate classification (germline): Uncertain significance (1 of 4 stars; one submission).

Conditions:
Hereditary cancer-predisposing syndrome. Also called: Neoplastic Syndromes, Hereditary; Tumor predisposition; Hereditary Cancer Syndrome; Hereditary neoplastic syndrome. Identifiers: Orphanet 140162, MedGen C0027672, MeSH D009386, MONDO:0015356.

Submission:

Ambry Genetics
Classification: Uncertain significance for Hereditary cancer-predisposing syndrome. Last evaluated: 2026-06-03. Review status: criteria provided, single submitter. Criteria: Ambry Variant Classification Scheme 2023. Collection method: clinical testing. Allele origin: germline.
Comment: The p.I1133V variant (also known as c.3397A>G), located in coding exon 16 of the MET gene, results from an A to G substitution at nucleotide position 3397. The isoleucine at codon 1133 is replaced by valine, an amino acid with highly similar properties. This amino acid position is conserved. In addition, the in silico prediction for this alteration is inconclusive. Based on the available evidence, the clinical significance of this variant remains unclear.